The following is an entry in ClinVar:

ClinVar aggregate classification (germline): Uncertain significance. Review status: criteria provided, multiple submitters, no conflicts (2 of 4 stars). 6 submissions from 6 submitters: Uncertain significance (6). Last evaluated 2026-03-10.

Conditions:
Cardiovascular phenotype. Identifiers: MedGen CN230736.
Arrhythmogenic cardiomyopathy with wooly hair and keratoderma. Also called: Dilated cardiomyopathy with woolly hair and keratoderma; Arrhythmogenic cardiomyopathy with woolly hair and keratoderma; Carvajal syndrome; PALMOPLANTAR KERATODERMA WITH LEFT VENTRICULAR CARDIOMYOPATHY AND WOOLLY HAIR. Identifiers: Orphanet 65282, MedGen C1854063, MONDO:0011581, OMIM 605676.
Arrhythmogenic right ventricular dysplasia 8 (ARVD8). Also called: Arrhythmogenic Right Ventricular Dysplasia/Cardiomyopathy 8; ARRHYTHMOGENIC RIGHT VENTRICULAR DYSPLASIA, FAMILIAL, 8; ARRHYTHMOGENIC RIGHT VENTRICULAR CARDIOMYOPATHY 8. Identifiers: MedGen C1843896, MONDO:0011831, OMIM 607450.
Cardiomyopathy (CMYO). Also called: Cardiomyopathies. Identifiers: Orphanet 167848, MedGen C0878544, MONDO:0004994, HP:0001638. Inheritance: Various modes of inheritance.

Allele frequency attached by ClinVar (database versions not stated): gnomAD 0.00001.
gnomAD v4.1: 9 of 1,614,100 alleles (0.00056%); highest among the groups gnomAD compares: Non-Finnish European, 0.00076%; no homozygotes.

Submissions (6):

Dasa
Classification: Uncertain significance. Last evaluated: 2026-03-10. Review status: criteria provided, single submitter. Criteria: DASA Assertion Criteria. Collection method: clinical testing. Allele origin: germline.
Comment: NM_004415.4(DSP):c.5120A>T (p.Gln1707Leu) is a missense variant that results in the substitution of glutamine with leucine. This variant is rare in population databases. The currently available literature and clinical evidence are not sufficient to establish a definitive association between this variant and the reported condition. Therefore, this variant is classified as a variant of uncertain significance.

Labcorp Genetics (formerly Invitae), Labcorp
Classification: Uncertain significance for Arrhythmogenic cardiomyopathy with wooly hair and keratoderma; Arrhythmogenic right ventricular dysplasia 8. Last evaluated: 2025-10-29. Review status: criteria provided, single submitter. Criteria: Invitae Variant Classification Sherloc (09022015). Collection method: clinical testing. Allele origin: germline.
Comment: This sequence change replaces glutamine, which is neutral and polar, with leucine, which is neutral and non-polar, at codon 1707 of the DSP protein (p.Gln1707Leu). This variant is present in population databases (no rsID available, gnomAD 0.007%). This variant has not been reported in the literature in individuals affected with DSP-related conditions. ClinVar contains an entry for this variant (Variation ID: 618070). An algorithm developed to predict the effect of missense changes on protein structure and function (PolyPhen-2) suggests that this variant is likely to be disruptive. In summary, the available evidence is currently insufficient to determine the role of this variant in disease. Therefore, it has been classified as a Variant of Uncertain Significance.

Color Diagnostics, LLC DBA Color Health
Classification: Uncertain significance for Cardiomyopathy. Last evaluated: 2024-10-21. Review status: criteria provided, single submitter. Criteria: ACMG Guidelines, 2015. Collection method: clinical testing. Allele origin: germline.
Comment: This missense variant replaces glutamine with leucine at codon 1707 of the DSP protein. Computational prediction suggests that this variant may not impact protein structure and function. To our knowledge, functional studies have not been reported for this variant. This variant has not been reported in individuals affected with DSP-related disorders in the literature. This variant has been identified in 1/31410 chromosomes in the general population by the Genome Aggregation Database (gnomAD). The available evidence is insufficient to determine the role of this variant in disease conclusively. Therefore, this variant is classified as a Variant of Uncertain Significance.

Ambry Genetics
Classification: Uncertain significance for Cardiovascular phenotype. Last evaluated: 2024-05-20. Review status: criteria provided, single submitter. Criteria: Ambry Variant Classification Scheme 2023. Collection method: clinical testing. Allele origin: germline.
Comment: The p.Q1707L variant (also known as c.5120A>T), located in coding exon 23 of the DSP gene, results from an A to T substitution at nucleotide position 5120. The glutamine at codon 1707 is replaced by leucine, an amino acid with dissimilar properties. This alteration has been reported in a cardiovascular disease cohort (Fernandez-Falgueras A et al. PLoS One, 2024 May;19:e0297914). This amino acid position is well conserved in available vertebrate species. In addition, the in silico prediction for this alteration is inconclusive. Based on the available evidence, the clinical significance of this variant remains unclear.

All of Us Research Program, National Institutes of Health
Classification: Uncertain significance for Arrhythmogenic cardiomyopathy with wooly hair and keratoderma. Last evaluated: 2024-04-23. Review status: criteria provided, single submitter. Criteria: ACMG Guidelines, 2015. Collection method: clinical testing. Allele origin: germline. Inheritance: Autosomal dominant inheritance. Observed: 1 variant allele, 1 heterozygote.
Comment: This study involves interpretation of variants in research participants for the purpose of population health screening. Participant phenotype was not available at the time of variant classification. Additional details can be found in publication PMID: 35346344, PMCID: PMC8962531

ARUP Laboratories, Molecular Genetics and Genomics, ARUP Laboratories
Classification: Uncertain significance. Last evaluated: 2018-01-03. Review status: criteria provided, single submitter. Criteria: ARUP Molecular Germline Variant Investigation Process. Collection method: clinical testing. Allele origin: germline.
Comment: The p.Gln1707Leu variant has not been reported in the medical literature, gene specific variation databases, nor has it been previously identified by our laboratory. This variant is listed in the Genome Aggregation Database (gnomAD) identified on a single chromosome out of 30,986. The glutamine at position 1707 is highly conserved up to zebrafish considering 12 species (Alamut v2.10), and computational analyses of the effects of the p.Gln1707Leu variant on protein structure and function provide conflicting results (SIFT: tolerated, MutationTaster: disease causing, Align GVGD: Class C25). Altogether, there is not enough evidence to classify the p.Gln1707Leu variant with certainty.

Literature cited by the submitters: PubMed 38691546 (cited by Ambry Genetics).

NM_004415.4(DSP):c.5120A>T (p.Gln1707Leu)

Gene: DSP (desmoplakin; plus strand). Cytogenetic location: 6p24.3.
Variant type: single nucleotide variant.
Coding change: c.5120A>T on transcript NM_004415.4 (MANE Select); coding-DNA position 5120, A replaced by T.
Protein change: p.Gln1707Leu; replaces glutamine 1707 with leucine.
Molecular consequence: missense variant. On other transcripts: intron variant (2).
Genome position (GRCh38, 1-based): chr6:7,581,310, A>T. VCF-style: chr6-7581310-A-T. GRCh37 (hg19) VCF-style: chr6-7581543-A-T.
Other names: c.4050+1070A>T (NM_001319034.2); c.3583-1332A>T (NM_001008844.3); c.5120A>T (LRG_423t1); short protein forms Q1707L.
Identifiers: ClinVar variation 618070 (VCV000618070.23), dbSNP rs768870428, ClinGen allele CA362687899.